The following is an entry in ClinVar:

ClinVar aggregate classification (germline): Uncertain significance. Review status: criteria provided, multiple submitters, no conflicts (2 of 4 stars). 2 submissions from 2 submitters: Uncertain significance (2). Last evaluated 2021-09-01.

Conditions:
Microcephaly-intellectual disability-sensorineural hearing loss-epilepsy-abnormal muscle tone syndrome (NEDHSB). Also called: NEURODEVELOPMENTAL DISORDER WITH HEARING LOSS, SEIZURES, AND BRAIN ABNORMALITIES. Identifiers: Orphanet 457351, MedGen C4225276, MONDO:0014698, OMIM 616577.

Allele frequency attached by ClinVar (database versions not stated): ExAC 0.00002; ESP Exome Variant Server 0.00008; gnomAD exomes below 0.00001.
gnomAD v4.1: 2 of 1,614,086 alleles (0.00012%); highest among the groups gnomAD compares: East Asian, 0.0022%; no homozygotes.

Submissions (2):

Labcorp Genetics (formerly Invitae), Labcorp
Classification: Uncertain significance for Microcephaly-intellectual disability-sensorineural hearing loss-epilepsy-abnormal muscle tone syndrome. Last evaluated: 2021-09-01. Review status: criteria provided, single submitter. Criteria: Invitae Variant Classification Sherloc (09022015). Collection method: clinical testing. Allele origin: germline.
Comment: This sequence change replaces proline with serine at codon 33 of the SPATA5 protein (p.Pro33Ser). The proline residue is moderately conserved and there is a moderate physicochemical difference between proline and serine. This variant is present in population databases (rs376956304, ExAC 0.01%). This variant has not been reported in the literature in individuals affected with SPATA5-related conditions. Algorithms developed to predict the effect of missense changes on protein structure and function output the following: SIFT: "Tolerated"; PolyPhen-2: "Benign"; Align-GVGD: "Class C0". The serine amino acid residue is found in multiple mammalian species, which suggests that this missense change does not adversely affect protein function. In summary, the available evidence is currently insufficient to determine the role of this variant in disease. Therefore, it has been classified as a Variant of Uncertain Significance.

Revvity Omics, Revvity
Classification: Uncertain significance for Microcephaly-intellectual disability-sensorineural hearing loss-epilepsy-abnormal muscle tone syndrome. Last evaluated: 2021-03-02. Review status: criteria provided, single submitter. Criteria: ACMG Guidelines, 2015. Collection method: clinical testing. Allele origin: germline.

NM_145207.3(AFG2A):c.97C>T (p.Pro33Ser)

Gene: AFG2A (AAA ATPase AFG2A; plus strand). Cytogenetic location: 4q28.1.
Variant type: single nucleotide variant.
Coding change: c.97C>T on transcript NM_145207.3 (MANE Select); coding-DNA position 97, C replaced by T.
Protein change: p.Pro33Ser; replaces proline 33 with serine.
Molecular consequence: missense variant.
Genome position (GRCh38, 1-based): chr4:122,923,239, C>T. VCF-style: chr4-122923239-C-T. GRCh37 (hg19) VCF-style: chr4-123844394-C-T.
Other names: c.97C>T, p.Pro33Ser (NM_001317799.2, NM_001345856.2); c.97C>T (NM_145207.2); short protein forms P33S.
Identifiers: ClinVar variation 1047007 (VCV001047007.5), dbSNP rs376956304, ClinGen allele CA3070126.